The following is an entry in ClinVar:

ClinVar aggregate classification (germline): Uncertain significance (1 of 4 stars; one submission).

Submission:

Quest Diagnostics Nichols Institute San Juan Capistrano
Classification: Uncertain significance. Last evaluated: 2025-04-03. Review status: criteria provided, single submitter. Criteria: Quest Diagnostics criteria. Collection method: clinical testing. Allele origin: unknown.
Comment: The BRCA2 c.1694C>A (p.Ala565Asp) variant has not been reported in individuals with BRCA2-related conditions in the published literature. It also has not been reported in large, multi-ethnic general populations (Genome Aggregation Database). Analysis of this variant using bioinformatics tools for the prediction of the effect of amino acid changes on protein structure and function yielded conflicting predictions that this variant is benign or damaging. Based on the available information, we are unable to determine the clinical significance of this variant.

Literature cited by the submitters: PubMed 35729312; PubMed 29884841.

NM_000059.4(BRCA2):c.1694C>A (p.Ala565Asp)

Gene: BRCA2 (BRCA2 DNA repair associated; plus strand). Cytogenetic location: 13q13.1.
Variant type: single nucleotide variant.
Coding change: c.1694C>A on transcript NM_000059.4 (MANE Select); coding-DNA position 1694, C replaced by A.
Protein change: p.Ala565Asp; replaces alanine 565 with aspartic acid.
Molecular consequence: missense variant. On other transcripts: non-coding transcript variant (1), intron variant (1).
Genome position (GRCh38, 1-based): chr13:32,333,172, C>A. VCF-style: chr13-32333172-C-A. GRCh37 (hg19) VCF-style: chr13-32907309-C-A.
Other names: c.1694C>A, p.Ala565Asp (NM_001406719.1, NM_001406720.1, NM_001406721.1 and 1 more transcripts); c.424+2142C>A (NM_001406722.1); short protein forms A565D.
Identifiers: ClinVar variation 4532820 (VCV004532820.1).
Genomic context (GRCh38, chr13:32,333,172, plus strand): 5'-TTTGCTCACAGAAGGAGGACTCCTTATGTCCAAATTTAATTGATAATGGAAGCTGGCCAG[C>A]CACCACCACACAGAATTCTGTAGCTTTGAAGAATGCAGGTTTAATATCCACTTTGAAAAA-3'
Protein context (NP_000050.3, residues 555-575): PNLIDNGSWP[Ala565Asp]TTTQNSVALK